The following is an entry in ClinVar:

NM_024589.3(ROGDI):c.11T>A (p.Val4Glu)

Gene: ROGDI (rogdi atypical leucine zipper; minus strand). Cytogenetic location: 16p13.3.
Variant type: single nucleotide variant.
Coding change: c.11T>A on transcript NM_024589.3 (MANE Select); coding-DNA position 11, T replaced by A.
Protein change: p.Val4Glu; replaces valine 4 with glutamic acid.
Molecular consequence: missense variant. On other transcripts: non-coding transcript variant (1).
Genome position (GRCh38, 1-based): chr16:4,802,561, A>T on the plus strand (T>A on the coding strand, the complement: ROGDI is on the minus strand). VCF-style: chr16-4802561-A-T. GRCh37 (hg19) VCF-style: chr16-4852562-A-T.
Other names: short protein forms V4E.
Identifiers: ClinVar variation 1038792 (VCV001038792.8), dbSNP rs2082747445, ClinGen allele CA394656953.

ClinVar aggregate classification (germline): Uncertain significance (1 of 4 stars; one submission).

Conditions:
Amelocerebrohypohidrotic syndrome (KTZS). Also called: Kohlschutter's syndrome; EPILEPSY AND YELLOW TEETH; EPILEPSY, DEMENTIA, AND AMELOGENESIS IMPERFECTA; KOHLSCHUTTER SYNDROME. Identifiers: Orphanet 1946, MedGen C0406740, MONDO:0009185, OMIM 226750.

gnomAD v4.1: 1 of 1,299,002 alleles (0.000077%); highest among the groups gnomAD compares: Non-Finnish European, 0.000098%; no homozygotes.

Submission:

Labcorp Genetics (formerly Invitae), Labcorp
Classification: Uncertain significance for Amelocerebrohypohidrotic syndrome. Last evaluated: 2024-11-18. Review status: criteria provided, single submitter. Criteria: Invitae Variant Classification Sherloc (09022015). Collection method: clinical testing. Allele origin: germline.
Comment: This sequence change replaces valine, which is neutral and non-polar, with glutamic acid, which is acidic and polar, at codon 4 of the ROGDI protein (p.Val4Glu). This variant is not present in population databases (gnomAD no frequency). This variant has not been reported in the literature in individuals affected with ROGDI-related conditions. ClinVar contains an entry for this variant (Variation ID: 1038792). Experimental studies and prediction algorithms are not available or were not evaluated, and the functional significance of this variant is currently unknown. In summary, the available evidence is currently insufficient to determine the role of this variant in disease. Therefore, it has been classified as a Variant of Uncertain Significance.